The following is an entry in ClinVar:

ClinVar aggregate classification (germline): Uncertain significance (1 of 4 stars; one submission).

Conditions:
CREBBP-related disorder. Also called: CREBBP-related disorders; CREBBP-related condition.

Submission:

PreventionGenetics, part of Exact Sciences
Classification: Uncertain significance for CREBBP-related condition. Last evaluated: 2025-03-26. Review status: criteria provided, single submitter. Criteria: ACMG Guidelines, 2015. Collection method: clinical testing. Allele origin: germline.
Comment: The CREBBP c.6903G>A variant is predicted to result in the amino acid substitution p.Met2301Ile. To our knowledge, this variant has not been reported in the literature or in a large population database (gnomAD), indicating this variant is rare. At this time, the clinical significance of this variant is uncertain due to the absence of conclusive functional and genetic evidence.

NM_004380.3(CREBBP):c.6903G>A (p.Met2301Ile)

Gene: CREBBP (CREB binding lysine acetyltransferase; minus strand). Cytogenetic location: 16p13.3.
Variant type: single nucleotide variant.
Coding change: c.6903G>A on transcript NM_004380.3 (MANE Select); coding-DNA position 6903, G replaced by A.
Protein change: p.Met2301Ile; replaces methionine 2301 with isoleucine.
Molecular consequence: missense variant.
Genome position (GRCh38, 1-based): chr16:3,728,144, C>T on the plus strand (G>A on the coding strand, the complement: CREBBP is on the minus strand). VCF-style: chr16-3728144-C-T. GRCh37 (hg19) VCF-style: chr16-3778145-C-T.
Other names: c.6789G>A, p.Met2263Ile (NM_001079846.1); short protein forms M2263I, M2301I.
Identifiers: ClinVar variation 5001294 (VCV005001294.1).